The following is an entry in ClinVar:

NM_000557.5(GDF5):c.788_810dup (p.Gly271Ter)

Genes: GDF5 (growth differentiation factor 5; minus strand), GDF5-AS1 (GDF5 antisense RNA 1; plus strand). Cytogenetic location: 20q11.22.
Variant type: Duplication.
Coding change: c.788_810dup on transcript NM_000557.5 (MANE Select); coding-DNA positions 788 to 810, 23 bases duplicated (TGAAGCTGTCCAGCTGCCCCAGC).
Protein change: p.Gly271Ter; replaces glycine 271 with a stop codon.
Molecular consequence: nonsense. On other transcripts: non-coding transcript variant (1).
Genome position (GRCh38, 1-based): chr20:35,434,605-35,434,627, GCTGGGGCAGCTGGACAGCTTCA duplicated on the plus strand (TGAAGCTGTCCAGCTGCCCCAGC on the coding strand, the reverse complement: GDF5 is on the minus strand); duplicating any 23 consecutive bases within chr20:35,434,605-35,434,633 gives the same sequence; the c. name uses the placement nearest the transcript's 3' end. VCF-style (leftmost placement, unchanged base first): chr20-35434604-C-CGCTGGGGCAGCTGGACAGCTTCA. GRCh37 (hg19) VCF-style: chr20-34022402-C-CGCTGGGGCAGCTGGACAGCTTCA.
Other names: c.788_810dup, p.Gly271Ter (NM_001319138.2); short protein forms G271*.
Identifiers: ClinVar variation 817567 (VCV000817567.32), dbSNP rs764122274, ClinGen allele CA9832231.
Genomic context (GRCh38, chr20:35,434,604, plus strand): 5'-AGCCAGATCCGTCCAGGCCTGGCACGGAGCGCACATCCAGCAAGGCGGCCGGCTGCCGGC[C>CGCTGGGGCAGCTGGACAGCTTCA]GCTGGGGCAGCTGGACAGCTTCAGCTGGGCAGCCCGCCCGCCTCCGGGGGCCGCTGGCTT-3'

ClinVar aggregate classification (germline): Pathogenic/Likely pathogenic. Review status: criteria provided, multiple submitters, no conflicts (2 of 4 stars). 4 submissions from 4 submitters: Pathogenic (1); Likely pathogenic (3). Last evaluated 2025-12-11.

Conditions:
Acromesomelic dysplasia 2C, Hunter-Thompson type. Also called: Acromesomelic dysplasia, Hunter-Thompson type. Identifiers: Orphanet 968, MedGen C2930970, MONDO:0008717, OMIM 201250.
Brachydactyly type C (BDC). Identifiers: Orphanet 93384, MedGen C1862103, MONDO:0007221, OMIM 113100, HP:0009373.
Type A2 brachydactyly (BDA2). Also called: Brachymesophalangy type 2; MOHR-WRIEDT TYPE BRACHYDACTYLY; BRACHYMESOPHALANGY II. Identifiers: Orphanet 93396, MedGen C1832702, MONDO:0007216, OMIM 112600, HP:0009372.
Grebe syndrome. Also called: ACROMESOMELIC DYSPLASIA, GREBE TYPE; ACROMESOMELIC DYSPLASIA 2A; GREBE DYSPLASIA. Identifiers: Orphanet 2098, MedGen C0265260, MONDO:0008703, OMIM 200700.
Acromesomelic dysplasia 2B. Also called: DU PAN SYNDROME. Identifiers: Orphanet 2639, MedGen C1856738, MONDO:0009231, OMIM 228900.
Multiple synostoses syndrome 2 (SYNS2). Identifiers: Orphanet 3237, MedGen C1832708, MONDO:0012394, OMIM 610017.
Symphalangism, proximal, 1B (SYM1B). Identifiers: Orphanet 3250, MedGen C3809104, MONDO:0014125, OMIM 615298.
Osteoarthritis susceptibility 5 (OS5). Identifiers: MedGen C4759728, MONDO:0012893, OMIM 612400.
Brachydactyly type A1C. Also called: Brachydactyly, type a1, c. Identifiers: Orphanet 93388, MedGen C3554446, MONDO:0014032, OMIM 615072.

Submissions (4):

Labcorp Genetics (formerly Invitae), Labcorp
Classification: Pathogenic. Last evaluated: 2025-12-11. Review status: criteria provided, single submitter. Criteria: Invitae Variant Classification Sherloc (09022015). Collection method: clinical testing. Allele origin: germline.
Comment: This sequence change creates a premature translational stop signal (p.Gly271*) in the GDF5 gene. While this is not anticipated to result in nonsense mediated decay, it is expected to disrupt the last 231 amino acid(s) of the GDF5 protein. This variant is present in population databases (rs764122274, gnomAD 0.007%). This variant has not been reported in the literature in individuals affected with GDF5-related conditions. ClinVar contains an entry for this variant (Variation ID: 817567). This variant disrupts a region of the GDF5 protein in which other variant(s) (p.Arg380Gln) have been determined to be pathogenic (PMID: 18203755). This suggests that this is a clinically significant region of the protein, and that variants that disrupt it are likely to be disease-causing. For these reasons, this variant has been classified as Pathogenic.

CeGaT Center for Human Genetics Tuebingen
Classification: Likely pathogenic. Last evaluated: 2023-07-01. Review status: criteria provided, single submitter. Criteria: CeGaT Center For Human Genetics Tuebingen Variant Classification Criteria Version 2. Collection method: clinical testing. Allele origin: germline. Affected: yes. Observed: 1 variant allele.
Comment: GDF5: PVS1:Strong, PM2

GeneDx
Classification: Likely pathogenic. Last evaluated: 2018-08-01. Review status: criteria provided, single submitter. Criteria: GeneDx Variant Classification (06012015). Collection method: clinical testing. Allele origin: germline. Affected: yes.
Comment: The c.788_810dup23 variant in the GDF5 gene has not been reported previously as a pathogenic variant nor as a benign variant, to our knowledge. The c.788_810dup23 variant results in the replacement of the normal Glycine residue at position 271 with a premature Stop codon, denoted p.G271X. This variant is predicted to cause loss of normal protein function through protein truncation. The c.788_810dup23 variant is observed in 1/14102 (0.007%) alleles from individuals of African background, in large population cohorts (Lek et al., 2016). We interpret c.788_810dup23 as a likely pathogenic variant.

Juno Genomics, Hangzhou Juno Genomics, Inc
Classification: Likely pathogenic for Acromesomelic dysplasia 2C, Hunter-Thompson type; Osteoarthritis susceptibility 5; Grebe syndrome; Acromesomelic dysplasia 2B; Brachydactyly type A1C; Type A2 brachydactyly; Brachydactyly type C; Multiple synostoses syndrome 2; Symphalangism, proximal, 1B. Review status: criteria provided, single submitter. Criteria: ACMG Guidelines, 2015. Collection method: clinical testing. Allele origin: germline. Affected: yes.
Comment: Absent from controls (or at extremely low frequency if recessive) in Genome Aggregation Database, Exome Sequencing Project, 1000 Genomes Project, or Exome Aggregation Consortium.;Null variant in a gene where loss of function (LOF) is a known mechanism of disease.;Patient's phenotype or family history is highly specific for a disease with a single genetic etiology.

Literature cited by the submitters: PubMed 18203755 (cited by Labcorp Genetics (formerly Invitae), Labcorp).